The following is an entry in ClinVar:

NM_001170700.3(DTHD1):c.1006G>C (p.Val336Leu)

Gene: DTHD1 (death domain containing 1; plus strand). Cytogenetic location: 4p14.
Variant type: single nucleotide variant.
Coding change: c.1006G>C on transcript NM_001170700.3 (MANE Select); coding-DNA position 1006, G replaced by C.
Protein change: p.Val336Leu; replaces valine 336 with leucine.
Molecular consequence: missense variant. On other transcripts: non-coding transcript variant (2).
Genome position (GRCh38, 1-based): chr4:36,290,491, G>C. VCF-style: chr4-36290491-G-C. GRCh37 (hg19) VCF-style: chr4-36292113-G-C.
Other names: c.136G>C, p.Val46Leu (NM_001136536.5, NM_001378435.1); short protein forms V336L, V46L.
Identifiers: ClinVar variation 2119010 (VCV002119010.4), dbSNP rs1756007101, ClinGen allele CA356678826.
Genomic context (GRCh38, chr4:36,290,491, plus strand): 5'-CCATCATATGTTCTACAACAACTAGAATGCCGGATAATAAATCACATGAGTTCTTTAATA[G>C]TGGGTGATAATGAAGAGTTAGTTAGCAACGTCATAACTATTGAATGCTCAGATAAGGAAA-3'
Protein context (NP_001164171.2, residues 326-346): RIINHMSSLI[Val336Leu]GDNEELVSNV

ClinVar aggregate classification (germline): Uncertain significance (1 of 4 stars; one submission).

Allele frequency attached by ClinVar (database versions not stated): TOPMed below 0.00001.

Submission:

Labcorp Genetics (formerly Invitae), Labcorp
Classification: Uncertain significance. Last evaluated: 2025-09-02. Review status: criteria provided, single submitter. Criteria: Invitae Variant Classification Sherloc (09022015). Collection method: clinical testing. Allele origin: germline.
Comment: This sequence change replaces valine, which is neutral and non-polar, with leucine, which is neutral and non-polar, at codon 46 of the DTHD1 protein (p.Val46Leu). This variant is not present in population databases (gnomAD no frequency). This variant has not been reported in the literature in individuals affected with DTHD1-related conditions. ClinVar contains an entry for this variant (Variation ID: 2119010). An algorithm developed to predict the effect of missense changes on protein structure and function (PolyPhen-2) suggests that this variant is likely to be disruptive. In summary, the available evidence is currently insufficient to determine the role of this variant in disease. Therefore, it has been classified as a Variant of Uncertain Significance.